The following is an entry in ClinVar:

ClinVar aggregate classification (germline): Likely benign. Review status: criteria provided, multiple submitters, no conflicts (2 of 4 stars). 4 submissions from 4 submitters: Likely benign (4). Last evaluated 2026-01-31.

Conditions:
Cardiovascular phenotype. Identifiers: MedGen CN230736.
Catecholaminergic polymorphic ventricular tachycardia 1. Also called: RYR2-Related Catecholaminergic Polymorphic Ventricular Tachycardia; VENTRICULAR TACHYCARDIA, CATECHOLAMINERGIC POLYMORPHIC, 1, WITH OR WITHOUT ATRIAL DYSFUNCTION AND/OR DILATED CARDIOMYOPATHY; VENTRICULAR TACHYCARDIA, STRESS-INDUCED POLYMORPHIC 1. Identifiers: Orphanet 3286, MedGen C1631597, MONDO:0011484, OMIM 604772.
Catecholaminergic polymorphic ventricular tachycardia (CVPT). Also called: Catecholamine-induced polymorphic ventricular tachycardia. Identifiers: Orphanet 3286, MedGen C5574922, MONDO:0017990.

Allele frequency attached by ClinVar (database versions not stated): gnomAD exomes below 0.00001; ExAC 0.00001; TOPMed 0.00003; gnomAD 0.00004.
gnomAD v4.1: 6 of 1,613,878 alleles (0.00037%); highest among the groups gnomAD compares: African/African-American, 0.008%; no homozygotes.

Submissions (4):

Labcorp Genetics (formerly Invitae), Labcorp
Classification: Likely benign for Catecholaminergic polymorphic ventricular tachycardia 1. Last evaluated: 2026-01-31. Review status: criteria provided, single submitter. Criteria: Invitae Variant Classification Sherloc (09022015). Collection method: clinical testing. Allele origin: germline.

All of Us Research Program, National Institutes of Health
Classification: Likely benign for Catecholaminergic polymorphic ventricular tachycardia. Last evaluated: 2024-09-16. Review status: criteria provided, single submitter. Criteria: ACMG Guidelines, 2015. Collection method: clinical testing. Allele origin: germline. Inheritance: Autosomal dominant inheritance. Observed: 1 variant allele, 1 heterozygote.
Comment: This study involves interpretation of variants in research participants for the purpose of population health screening. Participant phenotype was not available at the time of variant classification. Additional details can be found in publication PMID: 35346344, PMCID: PMC8962531

Ambry Genetics
Classification: Likely benign for Cardiovascular phenotype. Last evaluated: 2022-08-03. Review status: criteria provided, single submitter. Criteria: Ambry Variant Classification Scheme 2023. Collection method: clinical testing. Allele origin: germline.

Women's Health and Genetics/Laboratory Corporation of America, LabCorp
Classification: Likely benign. Last evaluated: 2019-08-29. Review status: criteria provided, single submitter. Criteria: LabCorp Variant Classification Summary - May 2015. Collection method: clinical testing. Allele origin: germline.

NM_001035.3(RYR2):c.601T>C (p.Leu201=)

Gene: RYR2 (ryanodine receptor 2; plus strand). Cytogenetic location: 1q43.
Variant type: single nucleotide variant.
Coding change: c.601T>C on transcript NM_001035.3 (MANE Select); coding-DNA position 601, T replaced by C.
Protein change: p.Leu201=; no amino-acid change (leucine 201 retained).
Molecular consequence: synonymous variant.
Genome position (GRCh38, 1-based): chr1:237,387,305, T>C. VCF-style: chr1-237387305-T-C. GRCh37 (hg19) VCF-style: chr1-237550605-T-C.
Other names: c.601T>C, p.Leu201= (LRG_402t1).
Identifiers: ClinVar variation 496093 (VCV000496093.15), dbSNP rs752523583, ClinGen allele CA087021.